The following is an entry in ClinVar:

ClinVar aggregate classification (germline): Uncertain significance (1 of 4 stars; one submission).

gnomAD v4.1: 2 of 1,611,900 alleles (0.00012%); highest among the groups gnomAD compares: Non-Finnish European, 0.000085%; no homozygotes.

Submission:

Labcorp Genetics (formerly Invitae), Labcorp
Classification: Uncertain significance. Last evaluated: 2022-03-12. Review status: criteria provided, single submitter. Criteria: Invitae Variant Classification Sherloc (09022015). Collection method: clinical testing. Allele origin: germline.
Comment: This sequence change replaces alanine, which is neutral and non-polar, with valine, which is neutral and non-polar, at codon 349 of the SBF1 protein (p.Ala349Val). This variant is not present in population databases (gnomAD no frequency). This variant has not been reported in the literature in individuals affected with SBF1-related conditions. Algorithms developed to predict the effect of missense changes on protein structure and function are either unavailable or do not agree on the potential impact of this missense change (SIFT: "Deleterious"; PolyPhen-2: "Possibly Damaging"; Align-GVGD: "Class C0"). In summary, the available evidence is currently insufficient to determine the role of this variant in disease. Therefore, it has been classified as a Variant of Uncertain Significance.

NM_002972.4(SBF1):c.1046C>T (p.Ala349Val)

Gene: SBF1 (SET binding factor 1; minus strand). Cytogenetic location: 22q13.33.
Variant type: single nucleotide variant.
Coding change: c.1046C>T on transcript NM_002972.4 (MANE Select); coding-DNA position 1046, C replaced by T.
Protein change: p.Ala349Val; replaces alanine 349 with valine.
Molecular consequence: missense variant.
Genome position (GRCh38, 1-based): chr22:50,465,806, G>A on the plus strand (C>T on the coding strand, the complement: SBF1 is on the minus strand). VCF-style: chr22-50465806-G-A. GRCh37 (hg19) VCF-style: chr22-50904235-G-A.
Other names: c.1049C>T, p.Ala350Val (NM_001365819.1); short protein forms A349V, A350V.
Identifiers: ClinVar variation 1481589 (VCV001481589.8), dbSNP rs2148600043, ClinGen allele CA412220326.